The following is an entry in ClinVar:

NM_022124.6(CDH23):c.7810G>A (p.Val2604Ile)

Gene: CDH23 (cadherin related 23; plus strand). Cytogenetic location: 10q22.1.
Variant type: single nucleotide variant.
Coding change: c.7810G>A on transcript NM_022124.6 (MANE Select); coding-DNA position 7810, G replaced by A.
Protein change: p.Val2604Ile; replaces valine 2604 with isoleucine.
Molecular consequence: missense variant.
Genome position (GRCh38, 1-based): chr10:71,803,358, G>A. VCF-style: chr10-71803358-G-A. GRCh37 (hg19) VCF-style: chr10-73563115-G-A.
Other names: c.1090G>A, p.Val364Ile (NM_001171933.1, NM_001171934.1); c.7810G>A (NM_022124.5); short protein forms V2604I, V364I.
Identifiers: ClinVar variation 2145447 (VCV002145447.2), dbSNP rs560143693, ClinGen allele CA5546439.

ClinVar aggregate classification (germline): Uncertain significance. Review status: criteria provided, multiple submitters, no conflicts (2 of 4 stars). 2 submissions from 2 submitters: Uncertain significance (2). Last evaluated 2025-05-14.

Conditions:
Inborn genetic diseases. Identifiers: MedGen C0950123, MeSH D030342.

Allele frequency attached by ClinVar (database versions not stated): gnomAD 0.00001; 1000 Genomes Project 30x 0.00016; 1000 Genomes Project 0.00020.
gnomAD v4.1: 12 of 1,599,958 alleles (0.00075%); highest among the groups gnomAD compares: South Asian, 0.0045%; no homozygotes.

Submissions (2):

Ambry Genetics
Classification: Uncertain significance for Inborn genetic diseases. Last evaluated: 2025-05-14. Review status: criteria provided, single submitter. Criteria: Ambry Variant Classification Scheme 2023. Collection method: clinical testing. Allele origin: germline.

Labcorp Genetics (formerly Invitae), Labcorp
Classification: Uncertain significance. Last evaluated: 2022-08-03. Review status: criteria provided, single submitter. Criteria: Invitae Variant Classification Sherloc (09022015). Collection method: clinical testing. Allele origin: germline.
Comment: This sequence change replaces valine, which is neutral and non-polar, with isoleucine, which is neutral and non-polar, at codon 2604 of the CDH23 protein (p.Val2604Ile). The frequency data for this variant in the population databases is considered unreliable, as metrics indicate poor data quality at this position in the gnomAD database. This variant has not been reported in the literature in individuals affected with CDH23-related conditions. Algorithms developed to predict the effect of missense changes on protein structure and function are either unavailable or do not agree on the potential impact of this missense change (SIFT: "Tolerated"; PolyPhen-2: "Not Available"; Align-GVGD: "Class C0"). In summary, the available evidence is currently insufficient to determine the role of this variant in disease. Therefore, it has been classified as a Variant of Uncertain Significance.